The following is an entry in ClinVar:

ClinVar aggregate classification (germline): Benign. Review status: criteria provided, single submitter (1 of 4 stars). 2 submissions from 2 submitters: Benign (1). 1 of the submissions does not count toward it. Last evaluated 2017-10-19.

Conditions:
PTPRS-related disorder. Also called: PTPRS-related condition.

Allele frequency attached by ClinVar (database versions not stated): gnomAD exomes 0.00079; ExAC 0.00090; ESP Exome Variant Server 0.00277; gnomAD 0.00303 and 0.00326; TOPMed 0.00306; 1000 Genomes Project 0.00379; 1000 Genomes Project 30x 0.00390.
gnomAD v4.1: 929 of 1,612,852 alleles (0.058%); highest among the groups gnomAD compares: African/African-American, 1.1%; 4 homozygotes.

Submissions (2):

Labcorp Genetics (formerly Invitae), Labcorp
Classification: Benign. Last evaluated: 2017-10-19. Review status: criteria provided, single submitter. Criteria: Invitae Variant Classification Sherloc (09022015). Collection method: clinical testing. Allele origin: germline.

PreventionGenetics, part of Exact Sciences
Classification: Benign for PTPRS-related condition. Last evaluated: 2019-10-04. Review status: no assertion criteria provided. Collection method: clinical testing. Allele origin: germline. Not counted in ClinVar's aggregate classification.
Comment: This variant is classified as benign based on ACMG/AMP sequence variant interpretation guidelines (Richards et al. 2015 PMID: 25741868, with internal and published modifications).

NM_002850.4(PTPRS):c.2091C>T (p.Val697=)

Gene: PTPRS (protein tyrosine phosphatase receptor type S; minus strand). Cytogenetic location: 19p13.3.
Variant type: single nucleotide variant.
Coding change: c.2091C>T on transcript NM_002850.4 (MANE Select); coding-DNA position 2091, C replaced by T.
Protein change: p.Val697=; no amino-acid change (valine 697 retained).
Molecular consequence: synonymous variant. On other transcripts: intron variant (2).
Genome position (GRCh38, 1-based): chr19:5,231,374, G>A on the plus strand (C>T on the coding strand, the complement: PTPRS is on the minus strand). VCF-style: chr19-5231374-G-A. GRCh37 (hg19) VCF-style: chr19-5231385-G-A.
Other names: c.2052C>T, p.Val684= (NM_130854.3); c.1810+7545C>T (NM_130853.3); c.1822+7545C>T (NM_130855.3).
Identifiers: ClinVar variation 777382 (VCV000777382.5), dbSNP rs79957927, ClinGen allele CA9110106.